The following is an entry in ClinVar:

NM_000051.4(ATM):c.3445A>T (p.Asn1149Tyr)

Gene: ATM (ATM serine/threonine kinase; plus strand). Cytogenetic location: 11q22.3.
Variant type: single nucleotide variant.
Coding change: c.3445A>T on transcript NM_000051.4 (MANE Select); coding-DNA position 3445, A replaced by T.
Protein change: p.Asn1149Tyr; replaces asparagine 1149 with tyrosine.
Molecular consequence: missense variant.
Genome position (GRCh38, 1-based): chr11:108,281,037, A>T. VCF-style: chr11-108281037-A-T. GRCh37 (hg19) VCF-style: chr11-108151764-A-T.
Other names: c.3445A>T, p.Asn1149Tyr (NM_001351834.2); short protein forms N1149Y.
Identifiers: ClinVar variation 1731503 (VCV001731503.2), dbSNP rs2135666374, ClinGen allele CA382519260.

ClinVar aggregate classification (germline): Uncertain significance (1 of 4 stars; one submission).

Conditions:
Hereditary cancer-predisposing syndrome. Also called: Neoplastic Syndromes, Hereditary; Tumor predisposition; Hereditary Cancer Syndrome; Hereditary neoplastic syndrome. Identifiers: Orphanet 140162, MedGen C0027672, MeSH D009386, MONDO:0015356.

Submission:

Ambry Genetics
Classification: Uncertain significance for Hereditary cancer-predisposing syndrome. Last evaluated: 2022-05-25. Review status: criteria provided, single submitter. Criteria: Ambry Variant Classification Scheme 2023. Collection method: clinical testing. Allele origin: germline.
Comment: The p.N1149Y variant (also known as c.3445A>T), located in coding exon 23 of the ATM gene, results from an A to T substitution at nucleotide position 3445. The asparagine at codon 1149 is replaced by tyrosine, an amino acid with dissimilar properties. This amino acid position is conserved. In addition, this alteration is predicted to be deleterious by in silico analysis. Since supporting evidence is limited at this time, the clinical significance of this alteration remains unclear.